The following is an entry in ClinVar:

ClinVar aggregate classification (germline): Likely benign (0 of 4 stars; one submission).

Conditions:
NTRK2-related disorder. Also called: NTRK2-related condition.

gnomAD v4.1: 6 of 1,613,700 alleles (0.00037%); highest among the groups gnomAD compares: Admixed American, 0.0017%; no homozygotes.

Submission:

PreventionGenetics, part of Exact Sciences
Classification: Likely benign for NTRK2-related condition. Last evaluated: 2022-12-14. Review status: no assertion criteria provided. Collection method: clinical testing. Allele origin: germline.
Comment: This variant is classified as likely benign based on ACMG/AMP sequence variant interpretation guidelines (Richards et al. 2015 PMID: 25741868, with internal and published modifications).

NM_006180.6(NTRK2):c.30C>T (p.Pro10=)

Gene: NTRK2 (neurotrophic receptor tyrosine kinase 2; plus strand). Cytogenetic location: 9q21.33.
Variant type: single nucleotide variant.
Coding change: c.30C>T on transcript NM_006180.6 (MANE Select); coding-DNA position 30, C replaced by T.
Protein change: p.Pro10=; no amino-acid change (proline 10 retained).
Molecular consequence: synonymous variant.
Genome position (GRCh38, 1-based): chr9:84,670,778, C>T. VCF-style: chr9-84670778-C-T. GRCh37 (hg19) VCF-style: chr9-87285693-C-T.
Other names: c.30C>T, p.Pro10= (NM_001007097.3, NM_001018064.3, NM_001018065.2 and 18 more transcripts).
Identifiers: ClinVar variation 3357920 (VCV003357920.1).